The following is an entry in ClinVar:

ClinVar aggregate classification (germline): Uncertain significance. Review status: criteria provided, multiple submitters, no conflicts (2 of 4 stars). 2 submissions from 2 submitters: Uncertain significance (2). Last evaluated 2022-08-02.

Conditions:
Dihydropyrimidinase deficiency (DPYSD). Also called: DPH DEFICIENCY; DPYS DEFICIENCY; dihydropyrimidinuria. Identifiers: Orphanet 38874, MedGen C0342803, MONDO:0009111, OMIM 222748.

Allele frequency attached by ClinVar (database versions not stated): gnomAD 0.00003; TOPMed 0.00003; gnomAD exomes 0.00005; ExAC 0.00008.

Submissions (2):

Labcorp Genetics (formerly Invitae), Labcorp
Classification: Uncertain significance. Last evaluated: 2022-08-02. Review status: criteria provided, single submitter. Criteria: Invitae Variant Classification Sherloc (09022015). Collection method: clinical testing. Allele origin: germline.
Comment: In summary, the available evidence is currently insufficient to determine the role of this variant in disease. Therefore, it has been classified as a Variant of Uncertain Significance. Algorithms developed to predict the effect of missense changes on protein structure and function output the following: SIFT: "Tolerated"; PolyPhen-2: "Benign"; Align-GVGD: "Class C0". The lysine amino acid residue is found in multiple mammalian species, which suggests that this missense change does not adversely affect protein function. ClinVar contains an entry for this variant (Variation ID: 911874). This variant has not been reported in the literature in individuals affected with DPYS-related conditions. This variant is present in population databases (rs765884757, gnomAD 0.03%). This sequence change replaces glutamic acid, which is acidic and polar, with lysine, which is basic and polar, at codon 177 of the DPYS protein (p.Glu177Lys).

Illumina Laboratory Services, Illumina
Classification: Uncertain significance for Dihydropyrimidinase deficiency. Last evaluated: 2018-01-13. Review status: criteria provided, single submitter. Criteria: ICSL Variant Classification Criteria 13 December 2019. Collection method: clinical testing. Allele origin: germline.

NM_001385.3(DPYS):c.529G>A (p.Glu177Lys)

Gene: DPYS (dihydropyrimidinase; minus strand). Cytogenetic location: 8q22.3.
Variant type: single nucleotide variant.
Coding change: c.529G>A on transcript NM_001385.3 (MANE Select); coding-DNA position 529, G replaced by A.
Protein change: p.Glu177Lys; replaces glutamic acid 177 with lysine.
Molecular consequence: missense variant.
Genome position (GRCh38, 1-based): chr8:104,447,398, C>T on the plus strand (G>A on the coding strand, the complement: DPYS is on the minus strand). VCF-style: chr8-104447398-C-T. GRCh37 (hg19) VCF-style: chr8-105459626-C-T.
Other names: short protein forms E177K.
Identifiers: ClinVar variation 911874 (VCV000911874.8), dbSNP rs765884757, ClinGen allele CA4838550.